The following is an entry in ClinVar:

ClinVar aggregate classification (germline): Likely benign. Review status: criteria provided, multiple submitters, no conflicts (2 of 4 stars). 3 submissions from 3 submitters: Likely benign (2). 1 of the submissions does not count toward it. Last evaluated 2024-09-06.

Conditions:
CCND2-related disorder. Also called: CCND2-related condition.

Allele frequency attached by ClinVar (database versions not stated): gnomAD exomes 0.00004 and 0.00002; ExAC 0.00002; TOPMed 0.00003; gnomAD 0.00004.
gnomAD v4.1: 41 of 1,613,214 alleles (0.0025%); highest among the groups gnomAD compares: East Asian, 0.0089%; no homozygotes.

Submissions (3):

Blueprint Genetics
Classification: Likely benign. Last evaluated: 2024-09-06. Review status: criteria provided, single submitter. Criteria: ACMG Guidelines, 2015. Collection method: clinical testing. Allele origin: germline.

GeneDx
Classification: Likely benign. Last evaluated: 2016-12-05. Review status: criteria provided, single submitter. Criteria: GeneDx Variant Classification (06012015). Collection method: clinical testing. Allele origin: germline. Affected: yes.
Comment: This variant is considered likely benign or benign based on one or more of the following criteria: it is a conservative change, it occurs at a poorly conserved position in the protein, it is predicted to be benign by multiple in silico algorithms, and/or has population frequency not consistent with disease.

PreventionGenetics, part of Exact Sciences
Classification: Likely benign for CCND2-related condition. Last evaluated: 2024-02-02. Review status: no assertion criteria provided. Collection method: clinical testing. Allele origin: germline. Not counted in ClinVar's aggregate classification.
Comment: This variant is classified as likely benign based on ACMG/AMP sequence variant interpretation guidelines (Richards et al. 2015 PMID: 25741868, with internal and published modifications).

NM_001759.4(CCND2):c.597G>A (p.Pro199=)

Gene: CCND2 (cyclin D2; plus strand). Cytogenetic location: 12p13.32.
Variant type: single nucleotide variant.
Coding change: c.597G>A on transcript NM_001759.4 (MANE Select); coding-DNA position 597, G replaced by A.
Protein change: p.Pro199=; no amino-acid change (proline 199 retained).
Molecular consequence: synonymous variant.
Genome position (GRCh38, 1-based): chr12:4,288,867, G>A. VCF-style: chr12-4288867-G-A. GRCh37 (hg19) VCF-style: chr12-4398033-G-A.
Identifiers: ClinVar variation 391416 (VCV000391416.4), dbSNP rs747054950, ClinGen allele CA6395283.